The following is an entry in ClinVar:

ClinVar aggregate classification (germline): Uncertain significance (1 of 4 stars; one submission).

Conditions:
UTP4-related disorder. Also called: UTP4-related condition.

gnomAD v4.1: 2 of 1,614,252 alleles (0.00012%); highest among the groups gnomAD compares: Non-Finnish European, 0.00017%; no homozygotes.

Submission:

PreventionGenetics, part of Exact Sciences
Classification: Uncertain significance for UTP4-related condition. Last evaluated: 2025-10-14. Review status: criteria provided, single submitter. Criteria: ACMG Guidelines, 2015. Collection method: clinical testing. Allele origin: germline.
Comment: The UTP4 c.585G>T variant is predicted to result in the amino acid substitution p.Lys195Asn. To our knowledge, this variant has not been reported in the literature or in a large population database (gnomAD), indicating this variant is rare. At this time, the clinical significance of this variant is uncertain due to the absence of conclusive functional and genetic evidence.

NM_032830.3(UTP4):c.585G>T (p.Lys195Asn)

Gene: UTP4 (UTP4 small subunit processome component). Cytogenetic location: 16q22.1.
Variant type: single nucleotide variant.
Coding change: c.585G>T on transcript NM_032830.3 (MANE Select); coding-DNA position 585, G replaced by T.
Protein change: p.Lys195Asn; replaces lysine 195 with asparagine.
Molecular consequence: missense variant.
Genome position (GRCh38, 1-based): chr16:69,143,236, G>T. VCF-style: chr16-69143236-G-T. GRCh37 (hg19) VCF-style: chr16-69177139-G-T.
Other names: c.336G>T, p.Lys112Asn (NM_001318391.2); short protein forms K195N, K112N.
Identifiers: ClinVar variation 4992977 (VCV004992977.1).